The following is an entry in ClinVar:

NM_001122630.2(CDKN1C):c.294CGCGGT[3] (p.Val104_Ser105insAlaVal)

Gene: CDKN1C (cyclin dependent kinase inhibitor 1C; minus strand). Cytogenetic location: 11p15.4.
Variant type: Microsatellite.
Coding change: c.294CGCGGT[3] on transcript NM_001122630.2 (MANE Select); three copies in a row of the 6-base unit CGCGGT starting at c.294; the reference has two copies in a row; one copy, 6 bases duplicated.
Protein change: p.Val104_Ser105insAlaVal.
Molecular consequence: inframe insertion. On other transcripts: intron variant (1).
Genome position (GRCh38, 1-based): chr11:2,885,152-2,885,157, ACCGCG duplicated on the plus strand (CGCGGT on the coding strand, the reverse complement: CDKN1C is on the minus strand); duplicating any 6 consecutive bases within chr11:2,885,152-2,885,165 gives the same sequence; the position shown is the placement nearest the transcript's 3' end. VCF-style (leftmost placement, unchanged base first): chr11-2885151-C-CACCGCG. GRCh37 (hg19) VCF-style: chr11-2906381-C-CACCGCG.
Other names: c.327CGCGGT[3], p.Val115_Ser116insAlaVal (NM_000076.2, NM_001362474.2); c.294CGCGGT[3], p.Val104_Ser105insAlaVal (NM_001122631.2); c.255+39CGCGGT[3] (NM_001362475.2).
Identifiers: ClinVar variation 2737805 (VCV002737805.3), dbSNP rs2494388954, ClinGen allele CA2697548336.

ClinVar aggregate classification (germline): Uncertain significance (1 of 4 stars; one submission).

Conditions:
Beckwith-Wiedemann syndrome (BWS). Also called: EMG SYNDROME; Exomphalos macroglossia gigantism syndrome. Identifiers: Orphanet 116, MedGen C0004903, MONDO:0007534, OMIM 130650.

Submission:

Labcorp Genetics (formerly Invitae), Labcorp
Classification: Uncertain significance for Beckwith-Wiedemann syndrome. Last evaluated: 2023-07-28. Review status: criteria provided, single submitter. Criteria: Invitae Variant Classification Sherloc (09022015). Collection method: clinical testing. Allele origin: germline.
Comment: This variant is not present in population databases (gnomAD no frequency). This variant has not been reported in the literature in individuals affected with CDKN1C-related conditions. In summary, the available evidence is currently insufficient to determine the role of this variant in disease. Therefore, it has been classified as a Variant of Uncertain Significance. This variant, c.333_338dup, results in the insertion of 2 amino acid(s) of the CDKN1C protein (p.Ala114_Val115dup), but otherwise preserves the integrity of the reading frame.